The following is an entry in ClinVar:

NM_018139.3(DNAAF2):c.2125G>T (p.Asp709Tyr)

Gene: DNAAF2 (dynein axonemal assembly factor 2; minus strand). Cytogenetic location: 14q21.3.
Variant type: single nucleotide variant.
Coding change: c.2125G>T on transcript NM_018139.3 (MANE Select); coding-DNA position 2125, G replaced by T.
Protein change: p.Asp709Tyr; replaces aspartic acid 709 with tyrosine.
Molecular consequence: missense variant. On other transcripts: 5 prime UTR variant (1).
Genome position (GRCh38, 1-based): chr14:49,625,931, C>A on the plus strand (G>T on the coding strand, the complement: DNAAF2 is on the minus strand). VCF-style: chr14-49625931-C-A. GRCh37 (hg19) VCF-style: chr14-50092649-C-A.
Other names: c.1981G>T, p.Asp661Tyr (NM_001083908.2); c.-87G>T (NM_001378453.1); short protein forms D709Y, D661Y.
Identifiers: ClinVar variation 2126975 (VCV002126975.4), dbSNP rs2502752859, ClinGen allele CA389624119.

ClinVar aggregate classification (germline): Uncertain significance (1 of 4 stars; one submission).

Conditions:
Primary ciliary dyskinesia. Also called: Ciliary dyskinesia. Identifiers: Orphanet 244, MedGen C0008780, MONDO:0016575, HP:0012265.

Submission:

Labcorp Genetics (formerly Invitae), Labcorp
Classification: Uncertain significance for Primary ciliary dyskinesia. Last evaluated: 2023-11-27. Review status: criteria provided, single submitter. Criteria: Invitae Variant Classification Sherloc (09022015). Collection method: clinical testing. Allele origin: germline.
Comment: This sequence change replaces aspartic acid, which is acidic and polar, with tyrosine, which is neutral and polar, at codon 709 of the DNAAF2 protein (p.Asp709Tyr). This variant is not present in population databases (gnomAD no frequency). This variant has not been reported in the literature in individuals affected with DNAAF2-related conditions. ClinVar contains an entry for this variant (Variation ID: 2126975). Advanced modeling of protein sequence and biophysical properties (such as structural, functional, and spatial information, amino acid conservation, physicochemical variation, residue mobility, and thermodynamic stability) performed at Invitae indicates that this missense variant is expected to disrupt DNAAF2 protein function with a positive predictive value of 80%. In summary, the available evidence is currently insufficient to determine the role of this variant in disease. Therefore, it has been classified as a Variant of Uncertain Significance.